The following is an entry in ClinVar:

ClinVar aggregate classification (germline): Pathogenic (1 of 4 stars; one submission).

Conditions:
Sotos syndrome (SOTOS). Also called: Sotos' syndrome; CHROMOSOME 5q35 DELETION SYNDROME; SOTOS SYNDROME 1; CEREBRAL GIGANTISM; Distinctive facial appearance, overgrowth in childhood, and learning disabilities or delayed development. Identifiers: Orphanet 821, MedGen C0175695, MONDO:0019349, OMIM 117550.

Submission:

Centre for Mendelian Genomics, University Medical Centre Ljubljana
Classification: Pathogenic for Sotos syndrome. Last evaluated: 2019-02-14. Review status: criteria provided, single submitter. Criteria: ACMG Guidelines, 2015. Collection method: clinical testing. Allele origin: unknown. Affected: yes.
Comment: This variant was classified as: Pathogenic. The following ACMG criteria were applied in classifying this variant: PVS1,PM2,PP3.

NM_022455.5(NSD1):c.4055dup (p.Leu1352fs)

Gene: NSD1 (nuclear receptor binding SET domain protein 1; plus strand). Cytogenetic location: 5q35.3.
Variant type: Duplication.
Coding change: c.4055dup on transcript NM_022455.5 (MANE Select); coding-DNA position 4055, one base duplicated (T; older notation c.4055dupT).
Protein change: p.Leu1352fs; shifts the reading frame from leucine 1352.
Molecular consequence: frameshift variant.
Genome position (GRCh38, 1-based): chr5:177,238,370, T duplicated; the last of 5 consecutive T bases (chr5:177,238,366-177,238,370); duplicating any one gives the same sequence. VCF-style (leftmost placement, unchanged base first): chr5-177238365-G-GT. GRCh37 (hg19) VCF-style: chr5-176665366-G-GT.
Other names: c.3182dup, p.Leu1061Phefs (NM_001365684.2, NM_001409306.1, NM_001409307.1 and 3 more transcripts); c.4055dup, p.Leu1352Phefs (NM_001409301.1, NM_001409302.1, NM_001409303.1); c.3635dup, p.Leu1212Phefs (NM_001409304.1); c.3302dup, p.Leu1101Phefs (NM_001409305.1); c.4055dupT (NM_022455.4); short protein forms L1083fs, L1352fs.
Identifiers: ClinVar variation 930415 (VCV000930415.4), dbSNP rs1765615038, ClinGen allele CA1139659266.